The following is an entry in ClinVar:

NM_000059.4(BRCA2):c.9226G>T (p.Gly3076Ter)

Gene: BRCA2 (BRCA2 DNA repair associated; plus strand). Cytogenetic location: 13q13.1.
Variant type: single nucleotide variant.
Coding change: c.9226G>T on transcript NM_000059.4 (MANE Select); coding-DNA position 9226, G replaced by T.
Protein change: p.Gly3076Ter; replaces glycine 3076 with a stop codon.
Molecular consequence: nonsense.
Genome position (GRCh38, 1-based): chr13:32,380,115, G>T. VCF-style: chr13-32380115-G-T. GRCh37 (hg19) VCF-style: chr13-32954252-G-T.
Other names: c.9130G>T, p.Gly3044Ter (NM_001406719.1); c.9175G>T, p.Gly3059Ter (NM_001406720.1); c.4294G>T, p.Gly1432Ter (NM_001406721.1); c.2809G>T, p.Gly937Ter (NM_001406722.1); short protein forms G3044*, G3059*, G937*, G1432*, G3076*.
Identifiers: ClinVar variation 1766249 (VCV001766249.2), dbSNP rs1566253644, ClinGen allele CA387758505.

ClinVar aggregate classification (germline): Pathogenic (1 of 4 stars; one submission).

Conditions:
Hereditary cancer-predisposing syndrome. Also called: Neoplastic Syndromes, Hereditary; Tumor predisposition; Hereditary Cancer Syndrome; Hereditary neoplastic syndrome. Identifiers: Orphanet 140162, MedGen C0027672, MeSH D009386, MONDO:0015356.

Submission:

Ambry Genetics
Classification: Pathogenic for Hereditary cancer-predisposing syndrome. Last evaluated: 2019-09-12. Review status: criteria provided, single submitter. Criteria: Ambry Variant Classification Scheme 2023. Collection method: clinical testing. Allele origin: germline.
Comment: The p.G3076* pathogenic mutation (also known as c.9226G>T), located in coding exon 23 of the BRCA2 gene, results from a G to T substitution at nucleotide position 9226. This changes the amino acid from a glycine to a stop codon within coding exon 23. This alteration is expected to result in loss of function by premature protein truncation or nonsense-mediated mRNA decay. As such, this alteration is interpreted as a disease-causing mutation.